The following is an entry in ClinVar:

ClinVar aggregate classification (germline): Uncertain significance (1 of 4 stars; one submission).

Conditions:
POLD1-related polyposis and colorectal cancer syndrome (CRCS10). Also called: Colorectal cancer 10; COLORECTAL CANCER, SUSCEPTIBILITY TO, ON CHROMOSOME 19q; Colorectal cancer, susceptibility to, 10. Identifiers: Orphanet 220460, MedGen C2675481, MONDO:0012953, OMIM 612591.

Submission:

Labcorp Genetics (formerly Invitae), Labcorp
Classification: Uncertain significance for POLD1-related polyposis and colorectal cancer syndrome. Last evaluated: 2022-05-12. Review status: criteria provided, single submitter. Criteria: Invitae Variant Classification Sherloc (09022015). Collection method: clinical testing. Allele origin: germline.
Comment: This variant has not been reported in the literature in individuals affected with POLD1-related conditions. This variant is not present in population databases (gnomAD no frequency). This sequence change replaces arginine, which is basic and polar, with leucine, which is neutral and non-polar, at codon 358 of the POLD1 protein (p.Arg358Leu). Algorithms developed to predict the effect of missense changes on protein structure and function (SIFT, PolyPhen-2, Align-GVGD) all suggest that this variant is likely to be tolerated. In summary, the available evidence is currently insufficient to determine the role of this variant in disease. Therefore, it has been classified as a Variant of Uncertain Significance.

NM_002691.4(POLD1):c.1073G>T (p.Arg358Leu)

Gene: POLD1 (DNA polymerase delta 1, catalytic subunit; plus strand). Cytogenetic location: 19q13.33.
Variant type: single nucleotide variant.
Coding change: c.1073G>T on transcript NM_002691.4 (MANE Select); coding-DNA position 1073, G replaced by T.
Protein change: p.Arg358Leu; replaces arginine 358 with leucine.
Molecular consequence: missense variant. On other transcripts: non-coding transcript variant (1).
Genome position (GRCh38, 1-based): chr19:50,403,155, G>T. VCF-style: chr19-50403155-G-T. GRCh37 (hg19) VCF-style: chr19-50906412-G-T.
Other names: c.1073G>T, p.Arg358Leu (NM_001256849.1, NM_001308632.1); short protein forms R358L.
Identifiers: ClinVar variation 1438901 (VCV001438901.6), dbSNP rs878854518, ClinGen allele CA406978265.
Genomic context (GRCh38, chr19:50,403,155, plus strand): 5'-GCTCGCTGGGCCTGCGCTGGGGGGAGCCGGAGCCCTTCCTACGCCTGGCGCTCACCCTGC[G>T]GCCCTGTGCCCCCATCCTGGGTGCCAAGGTGCAGAGCTACGAGAAGGAGGAGGACCTGCT-3'
Protein context (NP_002682.2, residues 348-368): EPFLRLALTL[Arg358Leu]PCAPILGAKV